The following is an entry in ClinVar:

NM_021930.6(RINT1):c.1066C>T (p.Gln356Ter)

Gene: RINT1 (RAD50 interactor 1; plus strand). Cytogenetic location: 7q22.3.
Variant type: single nucleotide variant.
Coding change: c.1066C>T on transcript NM_021930.6 (MANE Select); coding-DNA position 1066, C replaced by T.
Protein change: p.Gln356Ter; replaces glutamine 356 with a stop codon.
Molecular consequence: nonsense. On other transcripts: non-coding transcript variant (1).
Genome position (GRCh38, 1-based): chr7:105,550,124, C>T. VCF-style: chr7-105550124-C-T. GRCh37 (hg19) VCF-style: chr7-105190571-C-T.
Other names: c.832C>T, p.Gln278Ter (NM_001346599.2); c.43C>T, p.Gln15Ter (NM_001346600.2, NM_001346603.2); c.142C>T, p.Gln48Ter (NM_001346601.2); short protein forms Q356*, Q278*, Q15*, Q48*.
Identifiers: ClinVar variation 2726444 (VCV002726444.3), dbSNP rs1460614597, ClinGen allele CA368808466.

ClinVar aggregate classification (germline): Pathogenic (1 of 4 stars; one submission).

gnomAD v4.1: 3 of 1,613,836 alleles (0.00019%); highest among the groups gnomAD compares: Non-Finnish European, 0.00025%; no homozygotes.

Submission:

Labcorp Genetics (formerly Invitae), Labcorp
Classification: Pathogenic. Last evaluated: 2025-07-13. Review status: criteria provided, single submitter. Criteria: Invitae Variant Classification Sherloc (09022015). Collection method: clinical testing. Allele origin: germline.
Comment: This sequence change creates a premature translational stop signal (p.Gln356*) in the RINT1 gene. It is expected to result in an absent or disrupted protein product. Loss-of-function variants in RINT1 are known to be pathogenic (PMID: 31204009). This variant is present in population databases (no rsID available, gnomAD 0.0009%). This variant has not been reported in the literature in individuals affected with RINT1-related conditions. ClinVar contains an entry for this variant (Variation ID: 2726444). Algorithms developed to predict the effect of sequence changes on RNA splicing suggest that this variant may disrupt the consensus splice site. For these reasons, this variant has been classified as Pathogenic.

Literature cited by the submitters: PubMed 31204009.